The following is an entry in ClinVar:

ClinVar aggregate classification (germline): Likely benign. Review status: criteria provided, multiple submitters, no conflicts (2 of 4 stars). 4 submissions from 4 submitters: Likely benign (4). Last evaluated 2025-03-04.

Conditions:
Hypertrophic cardiomyopathy. Also called: HYPERTROPHIC MYOCARDIOPATHY. Identifiers: Orphanet 217569, MedGen C0007194, MeSH D002312, MONDO:0005045, HP:0001639.
Cardiovascular phenotype. Identifiers: MedGen CN230736.
Cardiomyopathy (CMYO). Also called: Cardiomyopathies. Identifiers: Orphanet 167848, MedGen C0878544, MONDO:0004994, HP:0001638. Inheritance: Various modes of inheritance.

Allele frequency attached by ClinVar (database versions not stated): gnomAD exomes 0.00001; ExAC 0.00002; TOPMed 0.00004.
gnomAD v4.1: 9 of 1,613,978 alleles (0.00056%); highest among the groups gnomAD compares: South Asian, 0.0011%; no homozygotes.

Submissions (4):

Labcorp Genetics (formerly Invitae), Labcorp
Classification: Likely benign for Hypertrophic cardiomyopathy. Last evaluated: 2025-03-04. Review status: criteria provided, single submitter. Criteria: Invitae Variant Classification Sherloc (09022015). Collection method: clinical testing. Allele origin: germline.

All of Us Research Program, National Institutes of Health
Classification: Likely benign for Cardiomyopathy. Last evaluated: 2023-12-14. Review status: criteria provided, single submitter. Criteria: ACMG Guidelines, 2015. Collection method: clinical testing. Allele origin: germline. Inheritance: Autosomal dominant inheritance. Observed: 9 variant alleles, 9 heterozygotes.
Comment: This study involves interpretation of variants in research participants for the purpose of population health screening. Participant phenotype was not available at the time of variant classification. Additional details can be found in publication PMID: 35346344, PMCID: PMC8962531

Ambry Genetics
Classification: Likely benign for Cardiovascular phenotype. Last evaluated: 2022-12-11. Review status: criteria provided, single submitter. Criteria: Ambry Variant Classification Scheme 2023. Collection method: clinical testing. Allele origin: germline.

Color Diagnostics, LLC DBA Color Health
Classification: Likely benign for Cardiomyopathy. Last evaluated: 2019-06-01. Review status: criteria provided, single submitter. Criteria: ACMG Guidelines, 2015. Collection method: clinical testing. Allele origin: germline.

NM_000257.4(MYH7):c.5127T>C (p.Thr1709=)

Genes: MHRT (myosin heavy chain associated RNA transcript; plus strand), MYH7 (myosin heavy chain 7; minus strand), LOC126861897 (BRD4-independent group 4 enhancer GRCh37_chr14:23884455-23885654; plus strand). Cytogenetic location: 14q11.2.
Variant type: single nucleotide variant.
Coding change: c.5127T>C on transcript NM_000257.4 (MANE Select); coding-DNA position 5127, T replaced by C.
Protein change: p.Thr1709=; no amino-acid change (threonine 1709 retained).
Molecular consequence: synonymous variant. On other transcripts: non-coding transcript variant (1).
Genome position (GRCh38, 1-based): chr14:23,415,659, A>G on the plus strand (T>C on the coding strand, the complement: MYH7 is on the minus strand). VCF-style: chr14-23415659-A-G. GRCh37 (hg19) VCF-style: chr14-23884868-A-G.
Identifiers: ClinVar variation 706420 (VCV000706420.16), dbSNP rs760420056, ClinGen allele CA045371.